The following is an entry in ClinVar:

ClinVar aggregate classification (germline): Likely pathogenic (1 of 4 stars; one submission).

Conditions:
Microcephaly, normal intelligence and immunodeficiency (NBS). Also called: Nijmegen breakage syndrome; Microcephaly with normal intelligence immunodeficiency and lymphoreticular malignancies; Nonsyndromal microcephaly autosomal recessive with normal intelligence; Seemanova syndrome 2; BERLIN BREAKAGE SYNDROME; IMMUNODEFICIENCY, MICROCEPHALY, AND CHROMOSOMAL INSTABILITY. Identifiers: Orphanet 647, MedGen C0398791, MONDO:0009623, OMIM 251260.

Submission:

Labcorp Genetics (formerly Invitae), Labcorp
Classification: Likely pathogenic for Microcephaly, normal intelligence and immunodeficiency. Last evaluated: 2015-03-24. Review status: criteria provided, single submitter. Criteria: Invitae Variant Classification Sherloc (09022015). Collection method: clinical testing. Allele origin: germline.
Comment: This sequence change is a gross deletion of the genomic region encompassing exons 15-16 of the NBN gene. This deletion extends to both edges of the assayed region, and the 5' and 3' boundaries of this event are not known. While this particular variant has not been reported in the literature, truncating sequence changes in NBN are known to be pathogenic (PMID: 9590180, 16415040). Deletion of exons 15-16 will result in the loss of amino acids 729-754 of the NBN protein, including the termination codon, and is expected to result in an absent or disrupted protein product. This deletion will also lead to the loss of the ATM interaction domain (amino acids 734-754) of the NBN protein (PMID: 24894818, 21035407), which has been shown to be important for activating ATM (PMID: 15064416, 15790808). For these reasons, this variant has been classified as Likely Pathogenic.

NC_000008.11:g.(?_89935581)_(89937075_?)del

Gene: NBN (nibrin; minus strand). Cytogenetic location: 8q21.3.
Variant type: Deletion.
Other names: c.2185-?_(*1_?)del (LRG_158t1).
Identifiers: ClinVar variation 216001 (VCV000216001.1).